The following is an entry in ClinVar:

NM_003126.4(SPTA1):c.6129C>A (p.Asp2043Glu)

Gene: SPTA1 (spectrin alpha, erythrocytic 1; minus strand). Cytogenetic location: 1q23.1.
Variant type: single nucleotide variant.
Coding change: c.6129C>A on transcript NM_003126.4 (MANE Select); coding-DNA position 6129, C replaced by A.
Protein change: p.Asp2043Glu; replaces aspartic acid 2043 with glutamic acid.
Molecular consequence: missense variant.
Genome position (GRCh38, 1-based): chr1:158,620,458, G>T on the plus strand (C>A on the coding strand, the complement: SPTA1 is on the minus strand). VCF-style: chr1-158620458-G-T. GRCh37 (hg19) VCF-style: chr1-158590248-G-T.
Other names: c.6129C>A (NM_003126.2); short protein forms D2043E.
Identifiers: ClinVar variation 3766753 (VCV003766753.2).
Genomic context (GRCh38, chr1:158,620,458, plus strand): 5'-TTCCATCTTTTCACACCAGTTGTTCAAAGCTGAAGCCTTATGTGCAAATTCCACGAACAG[G>T]TCCTCAGCCTGCAGAGAGAAAAAAAAGACACTACCATCTTTCCTGATAAAGCCTCTCAGC-3'
Protein context (NP_003117.2, residues 2033-2053): EKQLPLQKAE[Asp2043Glu]LFVEFAHKAS

ClinVar aggregate classification (germline): Conflicting classifications of pathogenicity. Review status: criteria provided, conflicting classifications (1 of 4 stars). 2 submissions from 2 submitters: Uncertain significance (1); Likely benign (1). Last evaluated 2025-09-26.

Submissions (2):

Ambry Genetics
Classification: Likely benign. Last evaluated: 2025-09-26. Review status: criteria provided, single submitter. Criteria: Ambry Variant Classification Scheme 2023. Collection method: clinical testing. Allele origin: germline.

ARUP Laboratories, Molecular Genetics and Genomics, ARUP Laboratories
Classification: Uncertain significance. Last evaluated: 2024-07-30. Review status: criteria provided, single submitter. Criteria: ARUP Molecular Germline Variant Investigation Process 2024. Collection method: clinical testing. Allele origin: germline.
Comment: The SPTA1 c.6129C>A; p.Asp2043Glu variant, to our knowledge, is not reported in the medical literature or gene specific databases. This variant is also absent from the Genome Aggregation Database (v2.1.1), indicating it is not a common polymorphism. Computational analyses predict that this variant is neutral (REVEL: 0.085). However, given the lack of clinical and functional data, the significance of this variant is uncertain at this time.